The following is an entry in ClinVar:

NM_002834.5(PTPN11):c.1382C>G (p.Ala461Gly)

Gene: PTPN11 (protein tyrosine phosphatase non-receptor type 11; plus strand). Cytogenetic location: 12q24.13.
Variant type: single nucleotide variant.
Coding change: c.1382C>G on transcript NM_002834.5 (MANE Select); coding-DNA position 1382, C replaced by G.
Protein change: p.Ala461Gly; replaces alanine 461 with glycine.
Molecular consequence: missense variant.
Genome position (GRCh38, 1-based): chr12:112,488,445, C>G. VCF-style: chr12-112488445-C-G. GRCh37 (hg19) VCF-style: chr12-112926249-C-G.
Other names: c.1394C>G, p.Ala465Gly (NM_001330437.2); c.1379C>G, p.Ala460Gly (NM_001374625.1); short protein forms A461G, A465G, A460G.
Identifiers: ClinVar variation 55798 (VCV000055798.17), dbSNP rs397509344, ClinGen allele CA284665.

ClinVar aggregate classification (germline): Conflicting classifications of pathogenicity. Review status: criteria provided, conflicting classifications (1 of 4 stars). 6 submissions from 6 submitters: Pathogenic (1); Likely pathogenic (2); Uncertain significance (2). 1 of the submissions does not count toward it. Last evaluated 2026-03-01.
ClinVar aggregate classification (oncogenicity): Uncertain significance (1 of 4 stars; one submission).

Conditions:
PTPN11-related disorder. Also called: PTPN11-Related Disorders.
LEOPARD syndrome 1 (LPRD1). Also called: LENTIGINOSIS, CARDIOMYOPATHIC; MULTIPLE LENTIGINES SYNDROME; PTPN11-Related LEOPARD Syndrome. Identifiers: Orphanet 500, MedGen C4551484, MONDO:0100082, OMIM 151100.
Neoplasm. Also called: tumor; Neoplasms; Neoplasm (disease). Identifiers: MedGen C0027651, MeSH D009369, MONDO:0005070, HP:0002664.

Submissions (7):

CeGaT Center for Human Genetics Tuebingen
Classification: Likely pathogenic. Last evaluated: 2026-03-01. Review status: criteria provided, single submitter. Criteria: CeGaT Center For Human Genetics Tuebingen Variant Classification Criteria Version 2. Collection method: clinical testing. Allele origin: germline. Affected: yes. Observed: 1 variant allele.
Comment: PTPN11: PM2, PM5, PM1:Supporting, PP2, PS4:Supporting

Center for Genomic Medicine, Rigshospitalet, Copenhagen University Hospital
Classification: Uncertain significance for Neoplasm. Last evaluated: 2025-12-29. Review status: criteria provided, single submitter. Criteria: ClinGen/CGC/VICC Guidelines for Oncogenicity, 2022. Collection method: clinical testing. Allele origin: somatic. Affected: yes.

Mayo Clinic Laboratories, Mayo Clinic
Classification: Likely pathogenic. Last evaluated: 2025-09-05. Review status: criteria provided, single submitter. Criteria: ACMG Guidelines, 2015. Collection method: clinical testing. Allele origin: germline. Observed: 1 variant allele.
Comment: PP3, PM2_supporting, PM5, PS2_moderate, PS4_supporting

Women's Health and Genetics/Laboratory Corporation of America, LabCorp
Classification: Uncertain significance. Last evaluated: 2021-03-25. Review status: criteria provided, single submitter. Criteria: LabCorp Variant Classification Summary - May 2015. Collection method: clinical testing. Allele origin: germline.
Comment: Variant summary: PTPN11 c.1382C>G (p.Ala461Gly) results in a non-conservative amino acid change located in the Protein-tyrosine phosphatase (IPR003595) active binding site catalytic domain of the encoded protein sequence. Five of five in-silico tools predict a damaging effect of the variant on protein function. The variant was absent in 251172 control chromosomes. The available data on variant occurrences in the general population are insufficient to allow any conclusion about variant significance. Although c.1382C>G has been reported as a somatic variant in patients with myeloid malignancies such as AML (example, Papaemmanuil_2016, Alfayez_2021), to our knowledge, no occurrence of c.1382C>G in individuals affected with Noonan Syndrome and Related Conditions has been reported. At least one publication reports experimental evidence evaluating an impact on protein function of another alteration at codon 461 (p.Ala461Thr) that has been observed in patients with Leopard syndrome (Kontaridis_2006). This publication reported p.Ala461Thr as a catalytically inactive dominant-negative mutation, however, it does not allow convincing conclusions about the variant effect of p.Ala461Gly. One clinical diagnostic laboratory has submitted clinical-significance assessments for this variant to ClinVar after 2014 without evidence for independent evaluation. One laboratory classified the variant as uncertain significance. Based on the evidence outlined above, the variant was classified as uncertain significance.

Laboratory for Molecular Medicine, Mass General Brigham Personalized Medicine
Classification: Uncertain significance. Last evaluated: 2016-05-24. Review status: criteria provided, single submitter. Criteria: LMM Criteria. Collection method: clinical testing. Allele origin: germline. Observed: 1 variant allele.
Comment: Variant classified as Uncertain Significance - Favor Pathogenic. The p.Ala461Gly variant in PTPN11 has not been previously reported in individuals with clinical features of a RASopathy and is absent from large population studies. An additio nal pathogenic amino acid change at this position (p.Ala461Thr) has been reporte d in individuals with clinical features of LEOPARD syndrome (Sarkozy 2004, Yoshi da 2004, Digilio 2011) suggesting that a change at this position may not be tole rated. Computational prediction tools and conservation analysis do not provide s trong support for or against an impact to the protein. In summary, while there is some suspicion for a pathogenic role, the clinical significance of the p.Ala4 61Gly variant is uncertain.

Diagnostics Division, CENTRE FOR DNA FINGERPRINTING AND DIAGNOSTICS
Classification: Pathogenic for LEOPARD syndrome 1. Review status: criteria provided, single submitter. Criteria: ACMG Guidelines, 2015. Collection method: research. Allele origin: germline. Inheritance: Autosomal dominant inheritance. Affected: yes. Observed: 1 heterozygote.

PreventionGenetics, part of Exact Sciences
Classification: Pathogenic for PTPN11-related condition. Last evaluated: 2024-08-31. Review status: no assertion criteria provided. Collection method: clinical testing. Allele origin: germline. Not counted in ClinVar's aggregate classification.
Comment: The PTPN11 c.1382C>G variant is predicted to result in the amino acid substitution p.Ala461Gly. This variant has been reported in an individual with clinical features consistent with Noonan syndrome (Table S2, Saini et al. 2022. PubMed ID: 35587316) and as a somatic variant in individuals with myeloid malignancies (Table S5, Papaemmanuil et al. 2016. PubMed ID: 27276561). This variant has not been reported in a large population database, indicating this variant is rare. Of note, two additional missense variants impacting the same amino acid (p.Ala461Ser, p.Ala461Thr) have been reported in individuals with Noonan syndrome and Noonan syndrome with multiple lentigines (Sarkozy et al. 2004. PubMed ID: 15470362; Yoshida and Ogata. 2008. PubMed ID: 24790373; Osawa et al. 2009. PubMed ID: 19659470). Additionally, in vitro and in vivo experimental studies of the p.Ala461Thr variant suggest a dominant-negative impact on protein function (Kontaridis et al. 2006. PubMed ID: 16377799; Stewart et al. 2010. PubMed ID: 20493809; Bonetti et al. 2014. PubMed ID: 24718990). The p.Ala461Gly variant is interpreted as pathogenic.

Literature cited by the submitters: PubMed 27276561 (cited by Center for Genomic Medicine, Rigshospitalet, Copenhagen University Hospital and Women's Health and Genetics/Laboratory Corporation of America, LabCorp); PubMed 32154134 (cited by Center for Genomic Medicine, Rigshospitalet, Copenhagen University Hospital); PubMed 35587316 (cited by Mayo Clinic Laboratories, Mayo Clinic); PubMed 36647814 (cited by Mayo Clinic Laboratories, Mayo Clinic); PubMed 40818059 (cited by Mayo Clinic Laboratories, Mayo Clinic); PubMed 15385933 (cited by Women's Health and Genetics/Laboratory Corporation of America, LabCorp); PubMed 14644997 (cited by Women's Health and Genetics/Laboratory Corporation of America, LabCorp); PubMed 16377799 (cited by Women's Health and Genetics/Laboratory Corporation of America, LabCorp and Laboratory for Molecular Medicine, Mass General Brigham Personalized Medicine); PubMed 19047918 (cited by Women's Health and Genetics/Laboratory Corporation of America, LabCorp); PubMed 19179468 (cited by Women's Health and Genetics/Laboratory Corporation of America, LabCorp); PubMed 17972951 (cited by Women's Health and Genetics/Laboratory Corporation of America, LabCorp); PubMed 15710330 (cited by Women's Health and Genetics/Laboratory Corporation of America, LabCorp); PubMed 25395418 (cited by Women's Health and Genetics/Laboratory Corporation of America, LabCorp); PubMed 25381062 (cited by Women's Health and Genetics/Laboratory Corporation of America, LabCorp); PubMed 27069254 (cited by Women's Health and Genetics/Laboratory Corporation of America, LabCorp); PubMed 15470362 (cited by Laboratory for Molecular Medicine, Mass General Brigham Personalized Medicine); PubMed 19659470 (cited by Laboratory for Molecular Medicine, Mass General Brigham Personalized Medicine); PubMed 22190897 (cited by Laboratory for Molecular Medicine, Mass General Brigham Personalized Medicine); PubMed 24718990 (cited by Laboratory for Molecular Medicine, Mass General Brigham Personalized Medicine); PubMed 25263441 (cited by Laboratory for Molecular Medicine, Mass General Brigham Personalized Medicine); PubMed 15389709 (cited by Laboratory for Molecular Medicine, Mass General Brigham Personalized Medicine); PubMed 23799168 (cited by Laboratory for Molecular Medicine, Mass General Brigham Personalized Medicine); PubMed 20493809 (cited by Laboratory for Molecular Medicine, Mass General Brigham Personalized Medicine); PubMed 24935154 (cited by Laboratory for Molecular Medicine, Mass General Brigham Personalized Medicine).